The following is an entry in ClinVar:

NM_018297.4(NGLY1):c.1370dup (p.Arg458fs)

Gene: NGLY1 (N-glycanase 1; minus strand). Cytogenetic location: 3p24.2.
Variant type: Duplication.
Coding change: c.1370dup on transcript NM_018297.4 (MANE Select); coding-DNA position 1370, one base duplicated (G; older notation c.1370dupG).
Protein change: p.Arg458fs; shifts the reading frame from arginine 458.
Molecular consequence: frameshift variant.
Genome position (GRCh38, 1-based): chr3:25,732,374, C duplicated on the plus strand (G on the coding strand, the reverse complement: NGLY1 is on the minus strand); the first of 5 consecutive C bases (chr3:25,732,374-25,732,378); duplicating any one gives the same sequence. VCF-style (leftmost placement, unchanged base first): chr3-25732373-T-TC. GRCh37 (hg19) VCF-style: chr3-25773864-T-TC.
Other names: c.1316dup, p.Arg440fs (NM_001145293.2); c.1244dup, p.Arg416fs (NM_001145294.2); c.1370dup, p.Arg458fs (NM_001145295.2); short protein forms R440fs, R416fs, R458fs.
Identifiers: ClinVar variation 126422 (VCV000126422.8), dbSNP rs587777265, ClinGen allele CA250282.

ClinVar aggregate classification (germline): Pathogenic. Review status: criteria provided, multiple submitters, no conflicts (2 of 4 stars). 4 submissions from 4 submitters: Pathogenic (3). 1 of the submissions does not count toward it. Last evaluated 2023-12-03.

Conditions:
Congenital disorder of deglycosylation (CDDG). Identifiers: MedGen C3808991, MONDO:0031376.

Submissions (4):

Labcorp Genetics (formerly Invitae), Labcorp
Classification: Pathogenic for Congenital disorder of deglycosylation. Last evaluated: 2023-12-03. Review status: criteria provided, single submitter. Criteria: Invitae Variant Classification Sherloc (09022015). Collection method: clinical testing. Allele origin: germline.
Comment: This sequence change creates a premature translational stop signal (p.Arg458Lysfs*14) in the NGLY1 gene. It is expected to result in an absent or disrupted protein product. Loss-of-function variants in NGLY1 are known to be pathogenic (PMID: 24651605). This variant is not present in population databases (gnomAD no frequency). This premature translational stop signal has been observed in individual(s) with N-glycanase 1 deficiency (PMID: 24651605, 27388694). ClinVar contains an entry for this variant (Variation ID: 126422). Algorithms developed to predict the effect of sequence changes on RNA splicing suggest that this variant may disrupt the consensus splice site. For these reasons, this variant has been classified as Pathogenic.

GeneDx
Classification: Pathogenic. Last evaluated: 2019-03-20. Review status: criteria provided, single submitter. Criteria: GeneDx Variant Classification (06012015). Collection method: clinical testing. Allele origin: germline. Affected: yes.
Comment: The c.1370dupG pathogenic variant in the NGLY1 gene has been reported previously as a homozygous pathogenic variant in a patient with features of NGLY1 deficiency (Enns et al., 2014; Lam et al., 2017). The duplication causes a frameshift starting with codon Arginine 458, changes this amino acid to a Lysine residue and creates a premature Stop codon at position 14 of the new reading frame, denoted p.Arg458LysfsX14. This pathogenic variant is predicted to cause loss of normal protein function either through protein truncation or nonsense-mediated mRNA decay. The c.1370dupG variant is not observed in large population cohorts (Lek et al., 2016). We interpret c.1370dupG as a pathogenic variant.

Baylor Genetics
Classification: Pathogenic for Congenital disorder of glycosylation type 1v. Last evaluated: 2013-05-24. Review status: criteria provided, single submitter. Criteria: Yang et al. 2013. Collection method: clinical testing. Allele origin: germline. Inheritance: Autosomal recessive inheritance. Affected: yes. Observed: 1 variant allele, 1 homozygote. Study: Adult_WES.

OMIM
Classification: Pathogenic for CONGENITAL DISORDER OF DEGLYCOSYLATION 1. Last evaluated: 2014-03-20. Review status: no assertion criteria provided. Collection method: literature only. Allele origin: germline. Not counted in ClinVar's aggregate classification.

Literature cited by the submitters: PubMed 24651605 (cited by 3 submitters); PubMed 27388694 (cited by Labcorp Genetics (formerly Invitae), Labcorp); PubMed 26633545 (cited by Baylor Genetics).